The following is an entry in ClinVar:

ClinVar aggregate classification (germline): Uncertain significance (1 of 4 stars; one submission).

Allele frequency attached by ClinVar (database versions not stated): ExAC 0.00001.

Submission:

Labcorp Genetics (formerly Invitae), Labcorp
Classification: Uncertain significance. Last evaluated: 2022-07-03. Review status: criteria provided, single submitter. Criteria: Invitae Variant Classification Sherloc (09022015). Collection method: clinical testing. Allele origin: germline.
Comment: This sequence change replaces arginine, which is basic and polar, with tryptophan, which is neutral and slightly polar, at codon 113 of the IRF4 protein (p.Arg113Trp). This variant is present in population databases (rs753842732, gnomAD 0.0009%). This variant has not been reported in the literature in individuals affected with IRF4-related conditions. Algorithms developed to predict the effect of missense changes on protein structure and function are either unavailable or do not agree on the potential impact of this missense change (SIFT: "Deleterious"; PolyPhen-2: "Probably Damaging"; Align-GVGD: "Class C0"). In summary, the available evidence is currently insufficient to determine the role of this variant in disease. Therefore, it has been classified as a Variant of Uncertain Significance.

NM_002460.4(IRF4):c.337C>T (p.Arg113Trp)

Gene: IRF4 (interferon regulatory factor 4; plus strand). Cytogenetic location: 6p25.3.
Variant type: single nucleotide variant.
Coding change: c.337C>T on transcript NM_002460.4 (MANE Select); coding-DNA position 337, C replaced by T.
Protein change: p.Arg113Trp; replaces arginine 113 with tryptophan.
Molecular consequence: missense variant. On other transcripts: non-coding transcript variant (1).
Genome position (GRCh38, 1-based): chr6:394,941, C>T. VCF-style: chr6-394941-C-T. GRCh37 (hg19) VCF-style: chr6-394941-C-T.
Other names: c.337C>T, p.Arg113Trp (NM_001195286.2); short protein forms R113W.
Identifiers: ClinVar variation 2013810 (VCV002013810.4), dbSNP rs753842732, ClinGen allele CA3612661.